The following is an entry in ClinVar:

ClinVar aggregate classification (germline): Uncertain significance. Review status: criteria provided, multiple submitters, no conflicts (2 of 4 stars). 7 submissions from 7 submitters: Uncertain significance (5). 2 of the submissions do not count toward it. Last evaluated 2025-12-29.

Conditions:
Dyskeratosis congenita, autosomal dominant 6 (DKCA6). Identifiers: Orphanet 3322, MedGen C4225284, MONDO:0014690, OMIM 616553.

Submissions (7):

Center for Genomic Medicine, Rigshospitalet, Copenhagen University Hospital
Classification: Uncertain significance. Last evaluated: 2025-12-29. Review status: criteria provided, single submitter. Criteria: ACMG Guidelines, 2015. Collection method: clinical testing. Allele origin: germline.

Labcorp Genetics (formerly Invitae), Labcorp
Classification: Uncertain significance for Dyskeratosis congenita, autosomal dominant 6. Last evaluated: 2025-12-17. Review status: criteria provided, single submitter. Criteria: Invitae Variant Classification Sherloc (09022015). Collection method: clinical testing. Allele origin: germline.
Comment: This variant, c.1075_1086del, results in the deletion of 4 amino acid(s) of the ACD protein (p.Pro359_Ser362del), but otherwise preserves the integrity of the reading frame. This variant is present in population databases (rs777131279, gnomAD 0.02%). This variant has not been reported in the literature in individuals affected with ACD-related conditions. ClinVar contains an entry for this variant (Variation ID: 933916). In summary, the available evidence is currently insufficient to determine the role of this variant in disease. Therefore, it has been classified as a Variant of Uncertain Significance.

Blueprint Genetics
Classification: Uncertain significance. Last evaluated: 2023-01-24. Review status: criteria provided, single submitter. Criteria: ACMG Guidelines, 2015. Collection method: clinical testing. Allele origin: germline.

Fulgent Genetics
Classification: Uncertain significance for Dyskeratosis congenita, autosomal dominant 6. Last evaluated: 2022-02-09. Review status: criteria provided, single submitter. Criteria: ACMG Guidelines, 2015. Collection method: clinical testing. Allele origin: unknown.

ARUP Laboratories, Molecular Genetics and Genomics, ARUP Laboratories
Classification: Uncertain significance. Last evaluated: 2019-08-12. Review status: criteria provided, single submitter. Criteria: ARUP Molecular Germline Variant Investigation Process. Collection method: clinical testing. Allele origin: germline.

Clinical Genetics DNA and cytogenetics Diagnostics Lab, Erasmus MC, Erasmus Medical Center
Classification: Uncertain significance. Review status: no assertion criteria provided. Collection method: clinical testing. Allele origin: germline. Affected: yes. Study: VKGL Data-share Consensus. Not counted in ClinVar's aggregate classification.

Diagnostic Laboratory, Department of Genetics, University Medical Center Groningen
Classification: Uncertain significance. Review status: no assertion criteria provided. Collection method: clinical testing. Allele origin: germline. Affected: yes. Study: VKGL Data-share Consensus. Not counted in ClinVar's aggregate classification.

NM_001082486.2(ACD):c.817_828del (p.Pro273_Ser276del)

Gene: ACD (ACD shelterin complex subunit and telomerase recruitment factor; minus strand). Cytogenetic location: 16q22.1.
Variant type: Deletion.
Coding change: c.817_828del on transcript NM_001082486.2 (MANE Select); coding-DNA positions 817 to 828, 12 bases deleted (CCCAGTTCCTCA).
Protein change: p.Pro273_Ser276del.
Molecular consequence: inframe deletion.
Genome position (GRCh38, 1-based): chr16:67,658,556-67,658,567, TGAGGAACTGGG deleted on the plus strand (CCCAGTTCCTCA on the coding strand, the reverse complement: ACD is on the minus strand); deleting any 12 consecutive bases within chr16:67,658,556-67,658,574 gives the same sequence; the c. name uses the placement nearest the transcript's 3' end. VCF-style (leftmost placement, unchanged base first): chr16-67658555-CTGAGGAACTGGG-C. GRCh37 (hg19) VCF-style: chr16-67692458-CTGAGGAACTGGG-C.
Other names: c.817_828delCCCAGTTCCTCA (NM_001082486.2); c.808_819del, p.Pro270_Ser273del (NM_022914.3).
Identifiers: ClinVar variation 933916 (VCV000933916.30), dbSNP rs777131279, ClinGen allele CA8114521.